The following is an entry in ClinVar:

NM_001110556.2(FLNA):c.7756+6C>A

Genes: FLNA (filamin A; minus strand), LOC107988032 (Xq28 proximal FLNA-EMD recombination region; plus strand). Cytogenetic location: Xq28.
Variant type: single nucleotide variant.
Coding change: c.7756+6C>A on transcript NM_001110556.2 (MANE Select); 6 bases into the intron after coding-DNA position 7756, C replaced by A.
Molecular consequence: intron variant.
Genome position (GRCh38, 1-based): chrX:154,349,356, G>T on the plus strand (C>A on the coding strand, the complement: FLNA is on the minus strand). VCF-style: chrX-154349356-G-T. GRCh37 (hg19) VCF-style: chrX-153577724-G-T.
Other names: c.7732+6C>A (NM_001456.4).
Identifiers: ClinVar variation 2950660 (VCV002950660.3), dbSNP rs1167714408, ClinGen allele CA873333694.
Genomic context (GRCh38, chrX:154,349,356, plus strand): 5'-CTGGCCATCCTGTGATTTCTGGCCTCATTTTGGTGGGAAGGTGGGCCGGGGGCCCAGGTT[G>T]CCCACCTGCTTTGCTGCAGTCTACTGTGAAGCTGCTCTTCTGGCCTACGTAGGCCTTGCT-3'

ClinVar aggregate classification (germline): Uncertain significance (1 of 4 stars; one submission).

Conditions:
Heterotopia, periventricular, X-linked dominant (PVNH1). Also called: PERIVENTRICULAR NODULAR HETEROTOPIA 1; X-linked periventricular heterotopia; PERIVENTRICULAR NODULAR HETEROTOPIA 4; HETEROTOPIA, PERIVENTRICULAR, 1. Identifiers: Orphanet 2149, Orphanet 82004, MedGen C1848213, MONDO:0010233, OMIM 300049.
Melnick-Needles syndrome (MNS). Also called: Melnick-Needles Syndrome (FLNA-MNS); MELNICK-NEEDLES OSTEODYSPLASTY; OSTEODYSPLASTY OF MELNICK AND NEEDLES. Identifiers: Orphanet 2484, MedGen C0025237, MONDO:0010650, OMIM 309350.
Frontometaphyseal dysplasia (FMD1). Identifiers: Orphanet 1826, MedGen C0265293, MONDO:0015942.
Oto-palato-digital syndrome, type II (OPD2). Also called: Otopalatodigital Syndrome Type 2 (FLNA-OPD2); FACIOPALATOOSSEOUS SYNDROME; OPD II SYNDROME; Otopalatodigital Syndrome, Type II. Identifiers: Orphanet 669, Orphanet 90652, MedGen C1844696, MONDO:0010571, OMIM 304120.

Allele frequency attached by ClinVar (database versions not stated): gnomAD exomes below 0.00001.

Submission:

Labcorp Genetics (formerly Invitae), Labcorp
Classification: Uncertain significance for Oto-palato-digital syndrome, type II; Heterotopia, periventricular, X-linked dominant; Frontometaphyseal dysplasia; Melnick-Needles syndrome. Last evaluated: 2023-12-15. Review status: criteria provided, single submitter. Criteria: Invitae Variant Classification Sherloc (09022015). Collection method: clinical testing. Allele origin: germline.
Comment: This sequence change falls in intron 46 of the FLNA gene. It does not directly change the encoded amino acid sequence of the FLNA protein. It affects a nucleotide within the consensus splice site. This variant is not present in population databases (gnomAD no frequency). This variant has not been reported in the literature in individuals affected with FLNA-related conditions. Variants that disrupt the consensus splice site are a relatively common cause of aberrant splicing (PMID: 17576681, 9536098). Algorithms developed to predict the effect of sequence changes on RNA splicing suggest that this variant is not likely to affect RNA splicing. In summary, the available evidence is currently insufficient to determine the role of this variant in disease. Therefore, it has been classified as a Variant of Uncertain Significance.

Literature cited by the submitters: PubMed 17576681; PubMed 9536098.